The following is an entry in ClinVar:

NM_024649.5(BBS1):c.1714G>A (p.Gly572Ser)

Genes: BBS1 (Bardet-Biedl syndrome 1; plus strand), ZDHHC24 (zDHHC palmitoyltransferase 24; minus strand). Cytogenetic location: 11q13.2.
Variant type: single nucleotide variant.
Coding change: c.1714G>A on transcript NM_024649.5 (MANE Select); coding-DNA position 1714, G replaced by A.
Protein change: p.Gly572Ser; replaces glycine 572 with serine.
Molecular consequence: missense variant. On other transcripts: intron variant (1).
Genome position (GRCh38, 1-based): chr11:66,531,969, G>A. VCF-style: chr11-66531969-G-A. GRCh37 (hg19) VCF-style: chr11-66299440-G-A.
Other names: c.560-2481C>T (NM_001348571.2); short protein forms G572S.
Identifiers: ClinVar variation 1477847 (VCV001477847.44), dbSNP rs758544060, ClinGen allele CA381426504.

ClinVar aggregate classification (germline): Uncertain significance (1 of 4 stars; one submission).

Conditions:
Bardet-Biedl syndrome (BBS). Identifiers: Orphanet 110, MedGen C0752166, MONDO:0015229.

Allele frequency attached by ClinVar (database versions not stated): gnomAD 0.00001.
gnomAD v4.1: 3 of 1,601,920 alleles (0.00019%); highest among the groups gnomAD compares: Non-Finnish European, 0.00026%; no homozygotes.

Submission:

Labcorp Genetics (formerly Invitae), Labcorp
Classification: Uncertain significance for Bardet-Biedl syndrome. Last evaluated: 2021-09-24. Review status: criteria provided, single submitter. Criteria: Invitae Variant Classification Sherloc (09022015). Collection method: clinical testing. Allele origin: germline.
Comment: This sequence change replaces glycine with serine at codon 572 of the BBS1 protein (p.Gly572Ser). The glycine residue is highly conserved and there is a small physicochemical difference between glycine and serine. This variant is not present in population databases (ExAC no frequency). This variant has not been reported in the literature in individuals with BBS1-related conditions. Algorithms developed to predict the effect of missense changes on protein structure and function (SIFT, PolyPhen-2, Align-GVGD) all suggest that this variant is likely to be tolerated, but these predictions have not been confirmed by published functional studies and their clinical significance is uncertain. In summary, the available evidence is currently insufficient to determine the role of this variant in disease. Therefore, it has been classified as a Variant of Uncertain Significance.